The following is an entry in ClinVar:

ClinVar aggregate classification (germline): Benign. Review status: criteria provided, single submitter (1 of 4 stars). 3 submissions from 3 submitters: Benign (1). 2 of the submissions do not count toward it. Last evaluated 2025-11-19.

Conditions:
ACACA-related disorder. Also called: ACACA-related condition.

Allele frequency attached by ClinVar (database versions not stated): gnomAD exomes 0.00026; ESP Exome Variant Server 0.00269; gnomAD 0.00278 and 0.00298; 1000 Genomes Project 0.00280; TOPMed 0.00311; 1000 Genomes Project 30x 0.00375.
gnomAD v4.1: 812 of 1,614,180 alleles (0.05%); highest among the groups gnomAD compares: African/African-American, 0.94%; 4 homozygotes.

Submissions (3):

Labcorp Genetics (formerly Invitae), Labcorp
Classification: Benign. Last evaluated: 2025-11-19. Review status: criteria provided, single submitter. Criteria: Invitae Variant Classification Sherloc (09022015). Collection method: clinical testing. Allele origin: germline.

PreventionGenetics, part of Exact Sciences
Classification: Benign for ACACA-related condition. Last evaluated: 2019-02-19. Review status: no assertion criteria provided. Collection method: clinical testing. Allele origin: germline. Not counted in ClinVar's aggregate classification.
Comment: This variant is classified as benign based on ACMG/AMP sequence variant interpretation guidelines (Richards et al. 2015 PMID: 25741868, with internal and published modifications).

Mayo Clinic Laboratories, Mayo Clinic
Classification: Likely benign. Last evaluated: 2017-09-15. Review status: no assertion criteria provided. Collection method: clinical testing. Allele origin: unknown. Not counted in ClinVar's aggregate classification.

NM_198834.3(ACACA):c.6924G>A (p.Ala2308=)

Gene: ACACA (acetyl-CoA carboxylase alpha; minus strand). Cytogenetic location: 17q12.
Variant type: single nucleotide variant.
Coding change: c.6924G>A on transcript NM_198834.3 (MANE Select); coding-DNA position 6924, G replaced by A.
Protein change: p.Ala2308=; no amino-acid change (alanine 2308 retained).
Molecular consequence: synonymous variant.
Genome position (GRCh38, 1-based): chr17:37,089,042, C>T on the plus strand (G>A on the coding strand, the complement: ACACA is on the minus strand). VCF-style: chr17-37089042-C-T. GRCh37 (hg19) VCF-style: chr17-35445977-C-T.
Other names: c.6813G>A, p.Ala2271= (NM_198836.3, NM_198839.3); c.6639G>A, p.Ala2213= (NM_198837.2); c.6579G>A, p.Ala2193= (NM_198838.2); c.6924G>A (NM_198834.2).
Identifiers: ClinVar variation 559339 (VCV000559339.11), dbSNP rs141608509, ClinGen allele CA8514530.